The following is an entry in ClinVar:

ClinVar aggregate classification (germline): Likely pathogenic (1 of 4 stars; one submission).

Conditions:
Familial ovarian cancer. Identifiers: MedGen C5679802, MONDO:0016248.

Submission:

Myriad Genetics, Inc.
Classification: Likely pathogenic for Familial ovarian cancer. Last evaluated: 2026-04-14. Review status: criteria provided, single submitter. Criteria: Myriad Autosomal Dominant, Autosomal Recessive and X-Linked Classification Criteria (2023). Collection method: clinical testing. Allele origin: unknown.
Comment: This variant is considered likely pathogenic. mRNA analysis has demonstrated abnormal mRNA splicing occurs [Myriad internal data].

NM_032043.3(BRIP1):c.2379G>C (p.Gln793His)

Gene: BRIP1 (BRCA1 interacting DNA helicase 1; minus strand). Cytogenetic location: 17q23.2.
Variant type: single nucleotide variant.
Coding change: c.2379G>C on transcript NM_032043.3 (MANE Select); coding-DNA position 2379, G replaced by C.
Protein change: p.Gln793His; replaces glutamine 793 with histidine.
Molecular consequence: missense variant.
Genome position (GRCh38, 1-based): chr17:61,743,013, C>G on the plus strand (G>C on the coding strand, the complement: BRIP1 is on the minus strand). VCF-style: chr17-61743013-C-G. GRCh37 (hg19) VCF-style: chr17-59820374-C-G.
Other names: short protein forms Q793H.
Identifiers: ClinVar variation 4876164 (VCV004876164.1).